The following is an entry in ClinVar:

ClinVar aggregate classification (germline): Likely pathogenic (1 of 4 stars; one submission).

Conditions:
Developmental and epileptic encephalopathy, 11 (DEE11). Also called: Early infantile epileptic encephalopathy 11. Identifiers: Orphanet 1934, MedGen C3150987, MONDO:0013388, OMIM 613721.
Seizures, benign familial infantile, 3 (BFIS3). Also called: Familial neonatal seizures; CONVULSIONS, BENIGN FAMILIAL INFANTILE, 3. Identifiers: Orphanet 140927, Orphanet 306, MedGen C1843140, MONDO:0011904, OMIM 607745.

Submission:

Labcorp Genetics (formerly Invitae), Labcorp
Classification: Likely pathogenic for Seizures, benign familial infantile, 3; Developmental and epileptic encephalopathy, 11. Last evaluated: 2021-06-06. Review status: criteria provided, single submitter. Criteria: Invitae Variant Classification Sherloc (09022015). Collection method: clinical testing. Allele origin: germline.
Comment: This sequence change replaces isoleucine with valine at codon 1488 of the SCN2A protein (p.Ile1488Val). The isoleucine residue is highly conserved and there is a small physicochemical difference between isoleucine and valine. This variant is not present in population databases (ExAC no frequency). This variant has been observed in individual(s) with clinical features of developmental and epileptic encephalopathy (Invitae). In at least one individual the variant was observed to be de novo. Algorithms developed to predict the effect of missense changes on protein structure and function are either unavailable or do not agree on the potential impact of this missense change (SIFT: "Deleterious"; PolyPhen-2: "Benign"; Align-GVGD: "Class C0"). In summary, the currently available evidence indicates that the variant is pathogenic, but additional data are needed to prove that conclusively. Therefore, this variant has been classified as Likely Pathogenic.

NM_001040142.2(SCN2A):c.4462A>G (p.Ile1488Val)

Gene: SCN2A (sodium voltage-gated channel alpha subunit 2; plus strand). Cytogenetic location: 2q24.3.
Variant type: single nucleotide variant.
Coding change: c.4462A>G on transcript NM_001040142.2 (MANE Select); coding-DNA position 4462, A replaced by G.
Protein change: p.Ile1488Val; replaces isoleucine 1488 with valine.
Molecular consequence: missense variant.
Genome position (GRCh38, 1-based): chr2:165,381,108, A>G. VCF-style: chr2-165381108-A-G. GRCh37 (hg19) VCF-style: chr2-166237618-A-G.
Other names: c.4462A>G, p.Ile1488Val (NM_001040143.2, NM_001371246.1, NM_001371247.1 and 1 more transcripts); short protein forms I1488V.
Identifiers: ClinVar variation 1508180 (VCV001508180.8), dbSNP rs2105385694, ClinGen allele CA349034568.
Genomic context (GRCh38, chr2:165,381,108, plus strand): 5'-CAGCAAAGAACACAATTTTAACAAGTGTTGCTTTCATTTCTTTACTTTGGAGGTCAAGAC[A>G]TTTTTATGACAGAAGAACAGAAGAAATACTACAATGCAATGAAAAAACTGGGTTCAAAGA-3'
Protein context (NP_001035232.1, residues 1478-1498): QQKKKFGGQD[Ile1488Val]FMTEEQKKYY